The following is an entry in ClinVar:

ClinVar aggregate classification (germline): Pathogenic/Likely pathogenic. Review status: criteria provided, multiple submitters, no conflicts (2 of 4 stars). 2 submissions from 2 submitters: Pathogenic (1); Likely pathogenic (1). Last evaluated 2022-12-20.

Conditions:
WDR19-related disorder. Also called: WDR19-related disorders; WDR19-related condition. Identifiers: MedGen CN380161.
Senior-Loken syndrome 8 (SLSN8). Identifiers: Orphanet 3156, MedGen C4225376, MONDO:0014579, OMIM 616307.
Asphyxiating thoracic dystrophy 5 (SRTD5). Also called: SHORT-RIB THORACIC DYSPLASIA 5 WITHOUT POLYDACTYLY; SHORT-RIB THORACIC DYSPLASIA 5 WITH OR WITHOUT POLYDACTYLY. Identifiers: Orphanet 474, MedGen C3280598, MONDO:0013717, OMIM 614376.

gnomAD v4.1: 6 of 1,611,610 alleles (0.00037%); highest among the groups gnomAD compares: Non-Finnish European, 0.00051%; no homozygotes.

Submissions (2):

Labcorp Genetics (formerly Invitae), Labcorp
Classification: Pathogenic for Senior-Loken syndrome 8; Asphyxiating thoracic dystrophy 5. Last evaluated: 2022-12-20. Review status: criteria provided, single submitter. Criteria: Invitae Variant Classification Sherloc (09022015). Collection method: clinical testing. Allele origin: germline.
Comment: For these reasons, this variant has been classified as Pathogenic. This variant has not been reported in the literature in individuals affected with WDR19-related conditions. This variant is not present in population databases (gnomAD no frequency). This sequence change creates a premature translational stop signal (p.Trp924*) in the WDR19 gene. It is expected to result in an absent or disrupted protein product. Loss-of-function variants in WDR19 are known to be pathogenic (PMID: 22019273, 23559409, 23683095, 26275793, 27241786, 29068549).

Blueprint Genetics
Classification: Likely pathogenic for WDR19-related disorders. Last evaluated: 2018-07-20. Review status: criteria provided, single submitter. Criteria: ACMG Guidelines, 2015. Collection method: clinical testing. Allele origin: germline. Affected: yes. Observed: 1 variant allele.

Literature cited by the submitters: PubMed 22019273 (cited by Labcorp Genetics (formerly Invitae), Labcorp); PubMed 23559409 (cited by Labcorp Genetics (formerly Invitae), Labcorp); PubMed 23683095 (cited by Labcorp Genetics (formerly Invitae), Labcorp); PubMed 26275793 (cited by Labcorp Genetics (formerly Invitae), Labcorp); PubMed 27241786 (cited by Labcorp Genetics (formerly Invitae), Labcorp); PubMed 29068549 (cited by Labcorp Genetics (formerly Invitae), Labcorp).

NM_025132.4(WDR19):c.2772G>A (p.Trp924Ter)

Gene: WDR19 (WD repeat domain 19; plus strand). Cytogenetic location: 4p14.
Variant type: single nucleotide variant.
Coding change: c.2772G>A on transcript NM_025132.4 (MANE Select); coding-DNA position 2772, G replaced by A.
Protein change: p.Trp924Ter; replaces tryptophan 924 with a stop codon.
Molecular consequence: nonsense.
Genome position (GRCh38, 1-based): chr4:39,253,188, G>A. VCF-style: chr4-39253188-G-A. GRCh37 (hg19) VCF-style: chr4-39254808-G-A.
Other names: c.2292G>A, p.Trp764Ter (NM_001317924.2); short protein forms W764*, W924*.
Identifiers: ClinVar variation 2940101 (VCV002940101.4), dbSNP rs2475315591, ClinGen allele CA356641200.